The following is an entry in ClinVar:

NM_000350.3(ABCA4):c.4352+53C>T

Gene: ABCA4 (ATP binding cassette subfamily A member 4; minus strand). Cytogenetic location: 1p22.1.
Variant type: single nucleotide variant.
Coding change: c.4352+53C>T on transcript NM_000350.3 (MANE Select); 53 bases into the intron after coding-DNA position 4352, C replaced by T.
Molecular consequence: intron variant.
Genome position (GRCh38, 1-based): chr1:94,030,375, G>A on the plus strand (C>T on the coding strand, the complement: ABCA4 is on the minus strand). VCF-style: chr1-94030375-G-A. GRCh37 (hg19) VCF-style: chr1-94495931-G-A.
Other names: c.4130+53C>T (NM_001425324.1).
Identifiers: ClinVar variation 4989935 (VCV004989935.1).

ClinVar aggregate classification (germline): Likely benign (1 of 4 stars; one submission).

Conditions:
ABCA4-related disorder. Also called: ABCA4-related disorders; ABCA4-related condition. Identifiers: MedGen CN239167.

gnomAD v4.1: 782 of 1,545,406 alleles (0.051%); highest among the groups gnomAD compares: South Asian, 0.57%; 12 homozygotes.

Submission:

PreventionGenetics, part of Exact Sciences
Classification: Likely benign for ABCA4-related condition. Last evaluated: 2025-04-25. Review status: criteria provided, single submitter. Criteria: ACMG Guidelines, 2015. Collection method: clinical testing. Allele origin: germline.
Comment: This variant is classified as likely benign based on ACMG/AMP sequence variant interpretation guidelines (Richards et al. 2015 PMID: 25741868, with internal and published modifications).